The following is an entry in ClinVar:

ClinVar aggregate classification (germline): Uncertain significance (1 of 4 stars; one submission).

Submission:

GeneDx
Classification: Uncertain significance. Last evaluated: 2026-02-17. Review status: criteria provided, single submitter. Criteria: GeneDx Variant Classification Process June 2021. Collection method: clinical testing. Allele origin: germline.
Comment: Not observed at significant frequency in large population cohorts (gnomAD); Canonical splice site variant in a gene or region of a gene for which loss of function is not a well-established mechanism of disease; Has not been previously published as pathogenic or benign to our knowledge

NM_001394062.1(MACF1):c.3270+2T>C

Gene: MACF1 (microtubule actin crosslinking factor 1; plus strand). Cytogenetic location: 1p34.3.
Variant type: single nucleotide variant.
Coding change: c.3270+2T>C on transcript NM_001394062.1 (MANE Select); the canonical splice donor site of the intron after coding-DNA position 3270, T replaced by C.
Molecular consequence: splice donor variant.
Genome position (GRCh38, 1-based): chr1:39,311,002, T>C. VCF-style: chr1-39311002-T-C. GRCh37 (hg19) VCF-style: chr1-39776674-T-C.
Other names: c.3285+2T>C (NM_012090.5).
Identifiers: ClinVar variation 4976551 (VCV004976551.1).
Genomic context (GRCh38, chr1:39,311,002, plus strand): 5'-GCTCTAGGACTGACAGAGATGCCTGGCAGGACAATGCATTAAGGATTGCAGAGCAAGAGG[T>C]AAGCCCTAAGAGCCATGTGGATGCTGGTTGTGGAGTGAATGCTTTCAGAGTTCATTGGAT-3'